The following is an entry in ClinVar:

NM_000170.3(GLDC):c.335-1G>C

Gene: GLDC (glycine decarboxylase; minus strand). Cytogenetic location: 9p24.1.
Variant type: single nucleotide variant.
Coding change: c.335-1G>C on transcript NM_000170.3 (MANE Select); the canonical splice acceptor site of the intron before coding-DNA position 335, G replaced by C.
Molecular consequence: splice acceptor variant.
Genome position (GRCh38, 1-based): chr9:6,620,320, C>G on the plus strand (G>C on the coding strand, the complement: GLDC is on the minus strand). VCF-style: chr9-6620320-C-G. GRCh37 (hg19) VCF-style: chr9-6620320-C-G.
Identifiers: ClinVar variation 551247 (VCV000551247.7), dbSNP rs1554649675, ClinGen allele CA372879760.
Genomic context (GRCh38, chr9:6,620,320, plus strand): 5'-ATCTCCAGATCTGGTTTTTGCTTGAAATGGCATGCAGAGTTGCAAGGATTTCATTTTCAC[C>G]TAATTGTGGGAAAAAGAGAAATGTTACAGACAGATGTCTCAGAAAAGAGCTCTAATTACA-3'

ClinVar aggregate classification (germline): Likely pathogenic. Review status: criteria provided, single submitter (1 of 4 stars). 2 submissions from 2 submitters: Likely pathogenic (1). 1 of the submissions does not count toward it. Last evaluated 2022-11-29.

Conditions:
Glycine encephalopathy 1 (GCE1). Identifiers: MedGen CN376801, MONDO:0958179, OMIM 605899.
Glycine encephalopathy. Also called: Non-ketotic hyperglycinemia; Nonketotic hyperglycinemia. Identifiers: Orphanet 407, MedGen C0751748, MONDO:0011612, HP:0008288.

Submissions (2):

Labcorp Genetics (formerly Invitae), Labcorp
Classification: Likely pathogenic for Glycine encephalopathy. Last evaluated: 2022-11-29. Review status: criteria provided, single submitter. Criteria: Invitae Variant Classification Sherloc (09022015). Collection method: clinical testing. Allele origin: germline.
Comment: This sequence change affects an acceptor splice site in intron 2 of the GLDC gene. It is expected to disrupt RNA splicing. Variants that disrupt the donor or acceptor splice site typically lead to a loss of protein function (PMID: 16199547), and loss-of-function variants in GLDC are known to be pathogenic (PMID: 16601880). This variant is not present in population databases (gnomAD no frequency). This variant has not been reported in the literature in individuals affected with GLDC-related conditions. ClinVar contains an entry for this variant (Variation ID: 551247). Algorithms developed to predict the effect of sequence changes on RNA splicing suggest that this variant may disrupt the consensus splice site. In summary, the currently available evidence indicates that the variant is pathogenic, but additional data are needed to prove that conclusively. Therefore, this variant has been classified as Likely Pathogenic.

Counsyl
Classification: Likely pathogenic for Glycine encephalopathy 1. Last evaluated: 2017-03-27. Review status: no assertion criteria provided. Collection method: clinical testing. Allele origin: unknown. Not counted in ClinVar's aggregate classification.

Literature cited by the submitters: PubMed 16199547 (cited by Labcorp Genetics (formerly Invitae), Labcorp); PubMed 16601880 (cited by Labcorp Genetics (formerly Invitae), Labcorp).